The following is an entry in ClinVar:

ClinVar aggregate classification (germline): Uncertain significance. Review status: criteria provided, multiple submitters, no conflicts (2 of 4 stars). 2 submissions from 2 submitters: Uncertain significance (2). Last evaluated 2024-08-07.

Conditions:
Hypertrophic cardiomyopathy 26. Also called: Cardiomyopathy, familial hypertrophic, 26. Identifiers: Orphanet 75249, MedGen C4310749, MONDO:0014883, OMIM 617047.
Myofibrillar myopathy 5. Also called: FILAMINOPATHY, AUTOSOMAL DOMINANT; Filaminopathy (type). Identifiers: Orphanet 171445, MedGen C1836050, MONDO:0012289, OMIM 609524.
Distal myopathy with posterior leg and anterior hand involvement. Also called: WILLIAMS DISTAL MYOPATHY. Identifiers: Orphanet 63273, MedGen C3279722, MONDO:0013550, OMIM 614065.

Allele frequency attached by ClinVar (database versions not stated): TOPMed 0.00001.

Submissions (2):

GeneDx
Classification: Uncertain significance. Last evaluated: 2024-08-07. Review status: criteria provided, single submitter. Criteria: GeneDx Variant Classification Process June 2021. Collection method: clinical testing. Allele origin: germline. Affected: yes.
Comment: Has not been previously published as pathogenic or benign to our knowledge; Not observed at significant frequency in large population cohorts (gnomAD); In silico analysis indicates that this missense variant does not alter protein structure/function

Labcorp Genetics (formerly Invitae), Labcorp
Classification: Uncertain significance for Distal myopathy with posterior leg and anterior hand involvement; Myofibrillar myopathy 5; Hypertrophic cardiomyopathy 26. Last evaluated: 2023-03-08. Review status: criteria provided, single submitter. Criteria: Invitae Variant Classification Sherloc (09022015). Collection method: clinical testing. Allele origin: germline.
Comment: In summary, the available evidence is currently insufficient to determine the role of this variant in disease. Therefore, it has been classified as a Variant of Uncertain Significance. Advanced modeling of protein sequence and biophysical properties (such as structural, functional, and spatial information, amino acid conservation, physicochemical variation, residue mobility, and thermodynamic stability) has been performed at Invitae for this missense variant, however the output from this modeling did not meet the statistical confidence thresholds required to predict the impact of this variant on FLNC protein function. This sequence change replaces histidine, which is basic and polar, with glutamine, which is neutral and polar, at codon 1629 of the FLNC protein (p.His1629Gln). ClinVar contains an entry for this variant (Variation ID: 1402167). This variant has not been reported in the literature in individuals affected with FLNC-related conditions. This variant is not present in population databases (gnomAD no frequency).

NM_001458.5(FLNC):c.4887T>A (p.His1629Gln)

Gene: FLNC (filamin C; plus strand). Cytogenetic location: 7q32.1.
Variant type: single nucleotide variant.
Coding change: c.4887T>A on transcript NM_001458.5 (MANE Select); coding-DNA position 4887, T replaced by A.
Protein change: p.His1629Gln; replaces histidine 1629 with glutamine.
Molecular consequence: missense variant.
Genome position (GRCh38, 1-based): chr7:128,848,942, T>A. VCF-style: chr7-128848942-T-A. GRCh37 (hg19) VCF-style: chr7-128488996-T-A.
Other names: c.4887T>A (NM_001458.4); c.4887T>A, p.His1629Gln (NM_001127487.2); short protein forms H1629Q.
Identifiers: ClinVar variation 1402167 (VCV001402167.9), dbSNP rs1585164043, ClinGen allele CA369203501.